The following is an entry in ClinVar:

ClinVar aggregate classification (germline): Uncertain significance. Review status: criteria provided, multiple submitters, no conflicts (2 of 4 stars). 7 submissions from 7 submitters: Uncertain significance (6). 1 of the submissions does not count toward it. Last evaluated 2026-03-01.

Conditions:
Limb-girdle muscular dystrophy (LGMD). Also called: Muscular Dystrophies, Limb-Girdle. Identifiers: Orphanet 263, MedGen C0686353, MeSH D049288, MONDO:0016971, HP:0006785.
Congenital multicore myopathy with external ophthalmoplegia (CMYO1B). Also called: MULTICORE MYOPATHY; Congenital myopathy 1B, autosomal recessive; Minicore myopathy; MULTIMINICORE DISEASE WITH EXTERNAL OPHTHALMOPLEGIA; Minicore myopathy with external ophthalmoplegia. Identifiers: Orphanet 598, Orphanet 98905, MedGen C1850674, MONDO:0009712, OMIM 255320, HP:0003789.
Congenital myopathy with fiber type disproportion. Also called: Congenital fiber-type disproportion myopathy; Congenital fiber-type disproportion. Identifiers: Orphanet 2020, MedGen C0546264, MONDO:0009711. Inheritance: all.
Malignant hyperthermia, susceptibility to, 1 (MHS1). Also called: RYR1-Related Malignant Hyperthermia Susceptibility; Malignant hyperthermia suceptibility 1; Anesthesia related hyperthermia; Malignant hyperpyrexia; Fulminating hyperpyrexia; Pharmacogenic myopathy. Identifiers: Orphanet 423, MedGen C2930980, MONDO:0007783, OMIM 145600.
Central core myopathy (CMYO1A). Also called: CONGENITAL MYOPATHY 1A, AUTOSOMAL DOMINANT, WITH SUSCEPTIBILITY TO MALIGNANT HYPERTHERMIA; Central core disease; Myopathy, central fibrillar. Identifiers: Orphanet 597, MedGen C5830701, MONDO:0007294, OMIM 117000.
King Denborough syndrome (KDS). Identifiers: MedGen C1840365, MONDO:0020485, OMIM 619542.
RYR1-related disorder. Also called: RYR1-related disorders; RYR1-related condition. Identifiers: MedGen CN239331.

Allele frequency attached by ClinVar (database versions not stated): ExAC below 0.00001; gnomAD exomes 0.00014; 1000 Genomes Project 30x 0.00016; gnomAD 0.00039; TOPMed 0.00047.

Submissions (7):

CeGaT Center for Human Genetics Tuebingen
Classification: Uncertain significance. Last evaluated: 2026-03-01. Review status: criteria provided, single submitter. Criteria: CeGaT Center For Human Genetics Tuebingen Variant Classification Criteria Version 2. Collection method: clinical testing. Allele origin: germline. Affected: yes. Observed: 1 variant allele.

GeneDx
Classification: Uncertain significance. Last evaluated: 2025-08-29. Review status: criteria provided, single submitter. Criteria: GeneDx Variant Classification Process June 2021. Collection method: clinical testing. Allele origin: germline. Affected: yes.
Comment: Has not been previously published as pathogenic or benign to our knowledge; In silico analysis suggests that this missense variant does not alter protein structure/function; This variant is associated with the following publications: (PMID: 32236737)

Labcorp Genetics (formerly Invitae), Labcorp
Classification: Uncertain significance for RYR1-related disorder. Last evaluated: 2024-12-16. Review status: criteria provided, single submitter. Criteria: Invitae Variant Classification Sherloc (09022015). Collection method: clinical testing. Allele origin: germline.
Comment: This sequence change replaces glycine, which is neutral and non-polar, with glutamic acid, which is acidic and polar, at codon 4281 of the RYR1 protein (p.Gly4281Glu). The frequency data for this variant in the population databases is considered unreliable, as metrics indicate poor data quality at this position in the gnomAD database. This missense change has been observed in individual(s) with RYR1-related conditions (PMID: 32236737). ClinVar contains an entry for this variant (Variation ID: 590416). Invitae Evidence Modeling of protein sequence and biophysical properties (such as structural, functional, and spatial information, amino acid conservation, physicochemical variation, residue mobility, and thermodynamic stability) indicates that this missense variant is not expected to disrupt RYR1 protein function with a negative predictive value of 95%. In summary, the available evidence is currently insufficient to determine the role of this variant in disease. Therefore, it has been classified as a Variant of Uncertain Significance.

Fulgent Genetics
Classification: Uncertain significance for Central core myopathy; Malignant hyperthermia, susceptibility to, 1; Congenital myopathy 4A, autosomal dominant; Congenital multicore myopathy with external ophthalmoplegia; King Denborough syndrome. Last evaluated: 2021-07-23. Review status: criteria provided, single submitter. Criteria: ACMG Guidelines, 2015. Collection method: clinical testing. Allele origin: unknown.

Revvity Omics, Revvity
Classification: Uncertain significance. Last evaluated: 2019-09-30. Review status: criteria provided, single submitter. Criteria: ACMG Guidelines, 2015. Collection method: clinical testing. Allele origin: germline.

Cambridge Genomics Laboratory, East Genomic Laboratory Hub, NHS Genomic Medicine Service
Classification: Uncertain significance for Limb-girdle muscular dystrophy. Last evaluated: 2019-09-03. Review status: criteria provided, single submitter. Criteria: ACGS Best Practice Guidelines for Variant Classification in Rare Disease 2020. Collection method: clinical testing. Allele origin: germline. Affected: yes. Observed: 1 variant allele.

PreventionGenetics, part of Exact Sciences
Classification: Uncertain significance for RYR1-related condition. Last evaluated: 2023-12-14. Review status: no assertion criteria provided. Collection method: clinical testing. Allele origin: germline. Not counted in ClinVar's aggregate classification.
Comment: The RYR1 c.12842G>A variant is predicted to result in the amino acid substitution p.Gly4281Glu. To our knowledge, this variant has not been reported in the literature. This variant is reported in 0.11% of alleles in individuals of African descent in gnomAD. Although we suspect that this variant may be benign, at this time, the clinical significance of this variant is uncertain due to the absence of conclusive functional and genetic evidence.

Literature cited by the submitters: PubMed 32236737 (cited by Labcorp Genetics (formerly Invitae), Labcorp).

NM_000540.3(RYR1):c.12842G>A (p.Gly4281Glu)

Gene: RYR1 (ryanodine receptor 1; plus strand). Cytogenetic location: 19q13.2.
Variant type: single nucleotide variant.
Coding change: c.12842G>A on transcript NM_000540.3 (MANE Select); coding-DNA position 12842, G replaced by A.
Protein change: p.Gly4281Glu; replaces glycine 4281 with glutamic acid.
Molecular consequence: missense variant.
Genome position (GRCh38, 1-based): chr19:38,565,176, G>A. VCF-style: chr19-38565176-G-A. GRCh37 (hg19) VCF-style: chr19-39055816-G-A.
Other names: c.12827G>A, p.Gly4276Glu (NM_001042723.2); short protein forms G4281E, G4276E.
Identifiers: ClinVar variation 590416 (VCV000590416.20), dbSNP rs754173025, ClinGen allele CA059486.